The following is an entry in ClinVar:

NM_000318.3(PEX2):c.456T>G (p.Ile152Met)

Gene: PEX2 (peroxisomal biogenesis factor 2; minus strand). Cytogenetic location: 8q21.13.
Variant type: single nucleotide variant.
Coding change: c.456T>G on transcript NM_000318.3 (MANE Select); coding-DNA position 456, T replaced by G.
Protein change: p.Ile152Met; replaces isoleucine 152 with methionine.
Molecular consequence: missense variant.
Genome position (GRCh38, 1-based): chr8:76,983,723, A>C on the plus strand (T>G on the coding strand, the complement: PEX2 is on the minus strand). VCF-style: chr8-76983723-A-C. GRCh37 (hg19) VCF-style: chr8-77895959-A-C.
Other names: c.456T>G, p.Ile152Met (NM_001079867.2, NM_001172086.2, NM_001172087.2); short protein forms I152M.
Identifiers: ClinVar variation 911416 (VCV000911416.5), dbSNP rs1475014070, ClinGen allele CA371557302.
Genomic context (GRCh38, chr8:76,983,723, plus strand): 5'-ACCTAGGAGACGTTCTGTCAAAGTTGCAAACTTTCCCCTCTGAAGGAAAATCAAAAAATT[A>C]ATCAGCCCACCTAATTTCAAAAGTCCAATCACAAAATTCACACACTGCTTGACTTTCCCA-3'
Protein context (NP_000309.2, residues 142-162): VIGLLKLGGL[Ile152Met]NFLIFLQRGK

ClinVar aggregate classification (germline): Uncertain significance. Review status: criteria provided, multiple submitters, no conflicts (2 of 4 stars). 2 submissions from 2 submitters: Uncertain significance (2). Last evaluated 2021-09-02.

Conditions:
Peroxisome biogenesis disorder 5A (Zellweger) (PBD5A). Identifiers: Orphanet 912, MedGen C3553940, MONDO:0013932, OMIM 614866.

Allele frequency attached by ClinVar (database versions not stated): TOPMed below 0.00001; gnomAD exomes 0.00001.
gnomAD v4.1: 8 of 1,614,094 alleles (0.0005%); highest among the groups gnomAD compares: Middle Eastern, 0.033%; no homozygotes.

Submissions (2):

Labcorp Genetics (formerly Invitae), Labcorp
Classification: Uncertain significance for Peroxisome biogenesis disorder 5A (Zellweger). Last evaluated: 2021-09-02. Review status: criteria provided, single submitter. Criteria: Invitae Variant Classification Sherloc (09022015). Collection method: clinical testing. Allele origin: germline.
Comment: This sequence change replaces isoleucine with methionine at codon 152 of the PEX2 protein (p.Ile152Met). The isoleucine residue is weakly conserved and there is a small physicochemical difference between isoleucine and methionine. This variant is not present in population databases (ExAC no frequency). This variant has not been reported in the literature in individuals affected with PEX2-related conditions. Algorithms developed to predict the effect of missense changes on protein structure and function output the following: SIFT: "Tolerated"; PolyPhen-2: "Benign"; Align-GVGD: "Class C0". The methionine amino acid residue is found in multiple mammalian species, which suggests that this missense change does not adversely affect protein function. In summary, the available evidence is currently insufficient to determine the role of this variant in disease. Therefore, it has been classified as a Variant of Uncertain Significance.

Illumina Laboratory Services, Illumina
Classification: Uncertain significance for Peroxisome biogenesis disorder 5A (Zellweger). Last evaluated: 2018-01-13. Review status: criteria provided, single submitter. Criteria: ICSL Variant Classification Criteria 13 December 2019. Collection method: clinical testing. Allele origin: germline.